The following is an entry in ClinVar:

NM_004082.5(DCTN1):c.1393-13T>C

Gene: DCTN1 (dynactin subunit 1; minus strand). Cytogenetic location: 2p13.1.
Variant type: single nucleotide variant.
Coding change: c.1393-13T>C on transcript NM_004082.5 (MANE Select); 13 bases into the intron before coding-DNA position 1393, T replaced by C.
Molecular consequence: intron variant.
Genome position (GRCh38, 1-based): chr2:74,369,504, A>G on the plus strand (T>C on the coding strand, the complement: DCTN1 is on the minus strand). VCF-style: chr2-74369504-A-G. GRCh37 (hg19) VCF-style: chr2-74596631-A-G.
Other names: c.1282-13T>C (NM_001190836.2); c.1324-13T>C (NM_001378992.1); c.1342-13T>C (NM_001378991.1); c.1333-13T>C (NM_001135040.3); c.1372-13T>C (NM_001190837.2); c.991-13T>C (NM_001135041.3, NM_023019.4).
Identifiers: ClinVar variation 2149626 (VCV002149626.4), dbSNP rs1674672543, ClinGen allele CA1261394842.
Genomic context (GRCh38, chr2:74,369,504, plus strand): 5'-CTCACGTGCATTCTCCTGCAGCTCATCGTTCATCTCATTCATCGCTTCCTAGGACACCAC[A>G]CCATAGTTTGGGCTAAAGAAAGGCAGGGTCGGCCAGCGGCGGTGGTTCACACCTGTAATC-3'

ClinVar aggregate classification (germline): Uncertain significance (1 of 4 stars; one submission).

Conditions:
Amyotrophic lateral sclerosis type 1 (ALS1). Also called: AMYOTROPHIC LATERAL SCLEROSIS 1, FAMILIAL. Identifiers: Orphanet 803, MedGen C1862939, MONDO:0007103, OMIM 105400.
Neuronopathy, distal hereditary motor, type 7B. Also called: Distal Hereditary Motor Neuronopathy Type 7B (dHMN7B); HMN VIIB; LOWER MOTOR NEURON DISEASE, DYNACTIN TYPE; NEURONOPATHY, DISTAL HEREDITARY MOTOR, AUTOSOMAL DOMINANT 14; NEURONOPATHY, DISTAL HEREDITARY MOTOR, HARDING TYPE VIIB; NEUROPATHY, DISTAL HEREDITARY MOTOR, HARDING TYPE VIIB. Identifiers: Orphanet 139589, MedGen C1843315, MONDO:0011879, OMIM 607641.
Perry syndrome. Also called: PARKINSONISM WITH ALVEOLAR HYPOVENTILATION AND MENTAL DEPRESSION. Identifiers: Orphanet 178509, MedGen C1868594, MONDO:0008201, OMIM 168605.

Allele frequency attached by ClinVar (database versions not stated): gnomAD exomes below 0.00001; TOPMed below 0.00001.
gnomAD v4.1: 2 of 1,610,602 alleles (0.00012%); highest among the groups gnomAD compares: Non-Finnish European, 0.00017%; no homozygotes.

Submission:

Labcorp Genetics (formerly Invitae), Labcorp
Classification: Uncertain significance for Amyotrophic lateral sclerosis type 1; Neuronopathy, distal hereditary motor, type 7B; Perry syndrome. Last evaluated: 2024-10-23. Review status: criteria provided, single submitter. Criteria: Invitae Variant Classification Sherloc (09022015). Collection method: clinical testing. Allele origin: germline.
Comment: This sequence change falls in intron 13 of the DCTN1 gene. It does not directly change the encoded amino acid sequence of the DCTN1 protein. This variant is not present in population databases (gnomAD no frequency). This variant has not been reported in the literature in individuals affected with DCTN1-related conditions. ClinVar contains an entry for this variant (Variation ID: 2149626). Algorithms developed to predict the effect of sequence changes on RNA splicing suggest that this variant may disrupt the consensus splice site. In summary, the available evidence is currently insufficient to determine the role of this variant in disease. Therefore, it has been classified as a Variant of Uncertain Significance.